The following is an entry in ClinVar:

ClinVar aggregate classification (germline): Uncertain significance. Review status: criteria provided, multiple submitters, no conflicts (2 of 4 stars). 4 submissions from 4 submitters: Uncertain significance (3). 1 of the submissions does not count toward it. Last evaluated 2025-08-01.

Conditions:
Congenital hyperammonemia, type I. Also called: CPS I DEFICIENCY; Carbamoyl-phosphate synthase I deficiency; Carbamoyl phosphate synthetase 1 deficiency; Hyperammonemia due to carbamoyl phosphate synthetase 1 deficiency; CPS 1 deficiency; Carbamyl phosphate synthetase (CPS) deficiency. Identifiers: Orphanet 147, MedGen C4082171, MONDO:0009376, OMIM 237300.
Inborn genetic diseases. Identifiers: MedGen C0950123, MeSH D030342.

Allele frequency attached by ClinVar (database versions not stated): gnomAD 0.00001; gnomAD exomes 0.00001; TOPMed 0.00001; ExAC 0.00002; 1000 Genomes Project 30x 0.00016; 1000 Genomes Project 0.00020.
gnomAD v4.1: 12 of 1,613,996 alleles (0.00074%); highest among the groups gnomAD compares: South Asian, 0.0033%; no homozygotes.

Submissions (4):

Ambry Genetics
Classification: Uncertain significance for Inborn genetic diseases. Last evaluated: 2025-08-01. Review status: criteria provided, single submitter. Criteria: Ambry Variant Classification Scheme 2023. Collection method: clinical testing. Allele origin: germline.

Labcorp Genetics (formerly Invitae), Labcorp
Classification: Uncertain significance for Congenital hyperammonemia, type I. Last evaluated: 2021-08-26. Review status: criteria provided, single submitter. Criteria: Invitae Variant Classification Sherloc (09022015). Collection method: clinical testing. Allele origin: germline.
Comment: This sequence change replaces arginine with glutamine at codon 1174 of the CPS1 protein (p.Arg1174Gln). The arginine residue is moderately conserved and there is a small physicochemical difference between arginine and glutamine. This variant is present in population databases (rs553145464, ExAC 0.009%). This variant has not been reported in the literature in individuals affected with CPS1-related conditions. Algorithms developed to predict the effect of missense changes on protein structure and function are either unavailable or do not agree on the potential impact of this missense change (SIFT: "Tolerated"; PolyPhen-2: "Probably Damaging"; Align-GVGD: "Class C0"). In summary, the available evidence is currently insufficient to determine the role of this variant in disease. Therefore, it has been classified as a Variant of Uncertain Significance.

Illumina Laboratory Services, Illumina
Classification: Uncertain significance for Congenital hyperammonemia, type I. Last evaluated: 2018-01-13. Review status: criteria provided, single submitter. Criteria: ICSL Variant Classification Criteria 13 December 2019. Collection method: clinical testing. Allele origin: germline.

Natera, Inc.
Classification: Uncertain significance for Carbamoyl-phosphate synthase I deficiency. Last evaluated: 2020-03-20. Review status: no assertion criteria provided. Collection method: clinical testing. Allele origin: germline. Not counted in ClinVar's aggregate classification.

NM_001875.5(CPS1):c.3521G>A (p.Arg1174Gln)

Gene: CPS1 (carbamoyl-phosphate synthase 1; plus strand). Cytogenetic location: 2q34.
Variant type: single nucleotide variant.
Coding change: c.3521G>A on transcript NM_001875.5 (MANE Select); coding-DNA position 3521, G replaced by A.
Protein change: p.Arg1174Gln; replaces arginine 1174 with glutamine.
Molecular consequence: missense variant. On other transcripts: non-coding transcript variant (2).
Genome position (GRCh38, 1-based): chr2:210,654,065, G>A. VCF-style: chr2-210654065-G-A. GRCh37 (hg19) VCF-style: chr2-211518789-G-A.
Other names: c.3521G>A, p.Arg1174Gln (NM_001122633.3, NM_001369257.1); c.3554G>A, p.Arg1185Gln (NM_001369256.1); short protein forms R1185Q, R1174Q.
Identifiers: ClinVar variation 898875 (VCV000898875.12), dbSNP rs553145464, ClinGen allele CA2086973.